The following is an entry in ClinVar:

NM_032228.6(FAR1):c.37G>A (p.Val13Ile)

Gene: FAR1 (fatty acyl-CoA reductase 1; plus strand). Cytogenetic location: 11p15.3.
Variant type: single nucleotide variant.
Coding change: c.37G>A on transcript NM_032228.6 (MANE Select); coding-DNA position 37, G replaced by A.
Protein change: p.Val13Ile; replaces valine 13 with isoleucine.
Molecular consequence: missense variant.
Genome position (GRCh38, 1-based): chr11:13,694,802, G>A. VCF-style: chr11-13694802-G-A. GRCh37 (hg19) VCF-style: chr11-13716349-G-A.
Other names: short protein forms V13I.
Identifiers: ClinVar variation 1461997 (VCV001461997.6), dbSNP rs750130905, ClinGen allele CA5893237.

ClinVar aggregate classification (germline): Uncertain significance (1 of 4 stars; one submission).

Allele frequency attached by ClinVar (database versions not stated): ExAC 0.00001; gnomAD 0.00001; gnomAD exomes 0.00001.
gnomAD v4.1: 15 of 1,613,736 alleles (0.00093%); highest among the groups gnomAD compares: East Asian, 0.0067%; no homozygotes.

Submission:

Labcorp Genetics (formerly Invitae), Labcorp
Classification: Uncertain significance. Last evaluated: 2025-08-03. Review status: criteria provided, single submitter. Criteria: Invitae Variant Classification Sherloc (09022015). Collection method: clinical testing. Allele origin: germline.
Comment: This sequence change replaces valine, which is neutral and non-polar, with isoleucine, which is neutral and non-polar, at codon 13 of the FAR1 protein (p.Val13Ile). This variant is present in population databases (rs750130905, gnomAD 0.02%). This variant has not been reported in the literature in individuals affected with FAR1-related conditions. ClinVar contains an entry for this variant (Variation ID: 1461997). Invitae Evidence Modeling of protein sequence and biophysical properties (such as structural, functional, and spatial information, amino acid conservation, physicochemical variation, residue mobility, and thermodynamic stability) indicates that this missense variant is not expected to disrupt FAR1 protein function with a negative predictive value of 80%. In summary, the available evidence is currently insufficient to determine the role of this variant in disease. Therefore, it has been classified as a Variant of Uncertain Significance.